The following is an entry in ClinVar:

ClinVar aggregate classification (germline): Likely benign (1 of 4 stars; one submission).

Conditions:
Autosomal dominant pseudohypoaldosteronism type 1. Also called: Pseudohypoaldosteronism, Type I, Dominant; Pseudohypoaldosteronism, Type I, Autosomal Dominant; PHA I, AUTOSOMAL DOMINANT. Identifiers: Orphanet 171871, Orphanet 756, MedGen C1449842, MONDO:0008329, OMIM 177735.

Allele frequency attached by ClinVar (database versions not stated): 1000 Genomes Project 30x 0.00047; 1000 Genomes Project 0.00080; gnomAD 0.00081 and 0.00086; TOPMed 0.00086.

Submission:

Illumina Laboratory Services, Illumina
Classification: Likely benign for Autosomal dominant pseudohypoaldosteronism type 1. Last evaluated: 2018-01-13. Review status: criteria provided, single submitter. Criteria: ICSL Variant Classification Criteria 13 December 2019. Collection method: clinical testing. Allele origin: germline.
Comment: This variant was observed in the ICSL laboratory as part of a predisposition screen in an ostensibly healthy population. It had not been previously curated by ICSL or reported in the Human Gene Mutation Database (HGMD: prior to June 1st, 2018), and was therefore a candidate for classification through an automated scoring system. Utilizing variant allele frequency, disease prevalence and penetrance estimates, and inheritance mode, an automated score was calculated to assess if this variant is too frequent to cause the disease. Based on the score and internal cut-off values, a variant classified as likely benign is not then subjected to further curation. The score for this variant resulted in a classification of likely benign for this disease.

NM_000901.5(NR3C2):c.*1352G>A

Gene: NR3C2 (nuclear receptor subfamily 3 group C member 2; minus strand). Cytogenetic location: 4q31.23.
Variant type: single nucleotide variant.
Coding change: c.*1352G>A on transcript NM_000901.5 (MANE Select); 1352 bases downstream of the stop codon, G replaced by A.
Molecular consequence: 3 prime UTR variant. On other transcripts: non-coding transcript variant (1).
Genome position (GRCh38, 1-based): chr4:148,079,992, C>T on the plus strand (G>A on the coding strand, the complement: NR3C2 is on the minus strand). VCF-style: chr4-148079992-C-T. GRCh37 (hg19) VCF-style: chr4-149001143-C-T.
Other names: c.*1352G>A (NM_001166104.2, NM_001354819.1).
Identifiers: ClinVar variation 899536 (VCV000899536.4), dbSNP rs186795361, ClinGen allele CA108477480.